The following is an entry in ClinVar:

NM_005534.4(IFNGR2):c.914C>T (p.Ala305Val)

Genes: TMEM50B (transmembrane protein 50B; minus strand), IFNGR2 (interferon gamma receptor 2; plus strand). Cytogenetic location: 21q22.11.
Variant type: single nucleotide variant.
Coding change: c.914C>T on transcript NM_005534.4 (MANE Select); coding-DNA position 914, C replaced by T.
Protein change: p.Ala305Val; replaces alanine 305 with valine.
Molecular consequence: missense variant.
Genome position (GRCh38, 1-based): chr21:33,436,862, C>T. VCF-style: chr21-33436862-C-T. GRCh37 (hg19) VCF-style: chr21-34809169-C-T.
Other names: c.971C>T, p.Ala324Val (NM_001329128.2); short protein forms A305V, A324V.
Identifiers: ClinVar variation 662505 (VCV000662505.9), dbSNP rs893539360, ClinGen allele CA320128304.
Genomic context (GRCh38, chr21:33,436,862, plus strand): 5'-CAATTTTGCTTTCCAACCTCCTCAAGTATTTAAAAGACCCAACTCAGCCCATCTTAGAGG[C>T]CTTGGACAAGGACAGCTCACCAAAGGATGACGTCTGGGACTCTGTGTCCATTATCTCGTT-3'
Protein context (NP_005525.2, residues 295-315): LKDPTQPILE[Ala305Val]LDKDSSPKDD

ClinVar aggregate classification (germline): Uncertain significance (1 of 4 stars; one submission).

Conditions:
Immunodeficiency 28 (IMD28). Also called: IFNGR2 DEFICIENCY. Identifiers: Orphanet 319547, Orphanet 319574, MedGen C4013947, MONDO:0013953, OMIM 614889.

gnomAD v4.1: 1 of 1,614,040 alleles (0.000062%); highest among the groups gnomAD compares: Non-Finnish European, 0.000085%; no homozygotes.

Submission:

Labcorp Genetics (formerly Invitae), Labcorp
Classification: Uncertain significance for Immunodeficiency 28. Last evaluated: 2022-08-16. Review status: criteria provided, single submitter. Criteria: Invitae Variant Classification Sherloc (09022015). Collection method: clinical testing. Allele origin: germline.
Comment: In summary, the available evidence is currently insufficient to determine the role of this variant in disease. Therefore, it has been classified as a Variant of Uncertain Significance. Algorithms developed to predict the effect of missense changes on protein structure and function output the following: SIFT: "Tolerated"; PolyPhen-2: "Benign"; Align-GVGD: "Class C0". The valine amino acid residue is found in multiple mammalian species, which suggests that this missense change does not adversely affect protein function. ClinVar contains an entry for this variant (Variation ID: 662505). This variant has not been reported in the literature in individuals affected with IFNGR2-related conditions. This variant is not present in population databases (gnomAD no frequency). This sequence change replaces alanine, which is neutral and non-polar, with valine, which is neutral and non-polar, at codon 305 of the IFNGR2 protein (p.Ala305Val).